The following is an entry in ClinVar:

ClinVar aggregate classification (germline): Uncertain significance. Review status: criteria provided, multiple submitters, no conflicts (2 of 4 stars). 2 submissions from 2 submitters: Uncertain significance (2). Last evaluated 2025-06-20.

Conditions:
Inborn genetic diseases. Identifiers: MedGen C0950123, MeSH D030342.

gnomAD v4.1: 2 of 1,613,988 alleles (0.00012%); highest among the groups gnomAD compares: Non-Finnish European, 0.00017%; no homozygotes.

Submissions (2):

Women's Health and Genetics/Laboratory Corporation of America, LabCorp
Classification: Uncertain significance. Last evaluated: 2025-06-20. Review status: criteria provided, single submitter. Criteria: LabCorp Variant Classification Summary - May 2015. Collection method: clinical testing. Allele origin: germline.
Comment: Variant summary: SAMD9 c.1498C>T (p.Leu500Phe) results in a non-conservative amino acid change in the encoded protein sequence. Algorithms developed to predict the effect of missense changes on protein structure and function are either unavailable or do not agree on the potential impact of this missense change. The variant allele was found at a frequency of 4e-06 in 251298 control chromosomes (gnomAD). The available data on variant occurrences in the general population are insufficient to allow any conclusion about variant significance. To our knowledge, no occurrence of c.1498C>T in individuals affected with MIRAGE Syndrome and no experimental evidence demonstrating its impact on protein function have been reported. ClinVar contains an entry for this variant (Variation ID: 2312859). Based on the evidence outlined above, the variant was classified as uncertain significance.

Ambry Genetics
Classification: Uncertain significance for Inborn genetic diseases. Last evaluated: 2024-12-12. Review status: criteria provided, single submitter. Criteria: Ambry Variant Classification Scheme 2023. Collection method: clinical testing. Allele origin: germline.
Comment: The p.L500F variant (also known as c.1498C>T), located in coding exon 1 of the SAMD9 gene, results from a C to T substitution at nucleotide position 1498. The leucine at codon 500 is replaced by phenylalanine, an amino acid with highly similar properties. This amino acid position is conserved. In addition, this alteration is predicted to be tolerated by in silico analysis. Based on the available evidence, the clinical significance of this variant remains unclear.

NM_017654.4(SAMD9):c.1498C>T (p.Leu500Phe)

Gene: SAMD9 (sterile alpha motif domain containing 9; minus strand). Cytogenetic location: 7q21.2.
Variant type: single nucleotide variant.
Coding change: c.1498C>T on transcript NM_017654.4 (MANE Select); coding-DNA position 1498, C replaced by T.
Protein change: p.Leu500Phe; replaces leucine 500 with phenylalanine.
Molecular consequence: missense variant.
Genome position (GRCh38, 1-based): chr7:93,104,600, G>A on the plus strand (C>T on the coding strand, the complement: SAMD9 is on the minus strand). VCF-style: chr7-93104600-G-A. GRCh37 (hg19) VCF-style: chr7-92733913-G-A.
Other names: c.1498C>T, p.Leu500Phe (NM_001193307.2); short protein forms L500F.
Identifiers: ClinVar variation 2312859 (VCV002312859.4), dbSNP rs1239625577, ClinGen allele CA368196218.